The following is an entry in ClinVar:

ClinVar aggregate classification (germline): Uncertain significance. Review status: criteria provided, multiple submitters, no conflicts (2 of 4 stars). 2 submissions from 2 submitters: Uncertain significance (2). Last evaluated 2025-10-01.

Submissions (2):

CeGaT Center for Human Genetics Tuebingen
Classification: Uncertain significance. Last evaluated: 2025-10-01. Review status: criteria provided, single submitter. Criteria: CeGaT Center For Human Genetics Tuebingen Variant Classification Criteria Version 2. Collection method: clinical testing. Allele origin: germline. Affected: yes. Observed: 1 variant allele.
Comment: POLG2: PM2, PM4:Supporting

Labcorp Genetics (formerly Invitae), Labcorp
Classification: Uncertain significance. Last evaluated: 2024-06-10. Review status: criteria provided, single submitter. Criteria: Invitae Variant Classification Sherloc (09022015). Collection method: clinical testing. Allele origin: germline.
Comment: This variant, c.54_56del, is a complex sequence change that results in the deletion of 2 and insertion of 1 amino acid(s) in the POLG2 protein (p.Leu18_Ser19delinsPhe). This variant is present in population databases (rs782120855, gnomAD 0.0009%). This variant has not been reported in the literature in individuals affected with POLG2-related conditions. Experimental studies and prediction algorithms are not available or were not evaluated, and the functional significance of this variant is currently unknown. In summary, the available evidence is currently insufficient to determine the role of this variant in disease. Therefore, it has been classified as a Variant of Uncertain Significance.

NM_007215.4(POLG2):c.54_56del (p.Leu18_Ser19delinsPhe)

Genes: MILR1 (mast cell immunoglobulin like receptor 1; plus strand), POLG2 (DNA polymerase gamma 2, accessory subunit; minus strand). Cytogenetic location: 17q23.3.
Variant type: Deletion.
Coding change: c.54_56del on transcript NM_007215.4 (MANE Select); coding-DNA positions 54 to 56, 3 bases deleted (GTC; older notation c.54_56delGTC).
Protein change: p.Leu18_Ser19delinsPhe.
Molecular consequence: inframe indel.
Genome position (GRCh38, 1-based): chr17:64,496,913-64,496,915, GAC deleted on the plus strand (GTC on the coding strand, the reverse complement: POLG2 is on the minus strand). VCF-style (leftmost placement, unchanged base first): chr17-64496912-AGAC-A. GRCh37 (hg19) VCF-style: chr17-62493030-AGAC-A.
Identifiers: ClinVar variation 3719113 (VCV003719113.8).